The following is an entry in ClinVar:

NM_003803.4(MYOM1):c.500C>T (p.Ala167Val)

Gene: MYOM1 (myomesin 1; minus strand). Cytogenetic location: 18p11.31.
Variant type: single nucleotide variant.
Coding change: c.500C>T on transcript NM_003803.4 (MANE Select); coding-DNA position 500, C replaced by T.
Protein change: p.Ala167Val; replaces alanine 167 with valine.
Molecular consequence: missense variant.
Genome position (GRCh38, 1-based): chr18:3,189,019, G>A on the plus strand (C>T on the coding strand, the complement: MYOM1 is on the minus strand). VCF-style: chr18-3189019-G-A. GRCh37 (hg19) VCF-style: chr18-3189017-G-A.
Other names: c.500C>T, p.Ala167Val (NM_019856.2); short protein forms A167V.
Identifiers: ClinVar variation 572253 (VCV000572253.8), dbSNP rs1567958745, ClinGen allele CA401716958.
Genomic context (GRCh38, chr18:3,189,019, plus strand): 5'-GATGCCGTGGACTGTTTAGATGTTGTGATTCCTTCCTCACTAGCAAGAAGATTCCTCTGG[G>A]CTATATAAGCAGCAGCTTCTTTAATTCTTTCTTCTTCCGTATCAGTAATTCCACTGACAT-3'
Protein context (NP_003794.3, residues 157-177): ERIKEAAAYI[Ala167Val]QRNLLASEEG

ClinVar aggregate classification (germline): Uncertain significance (1 of 4 stars; one submission).

Conditions:
Hypertrophic cardiomyopathy. Also called: HYPERTROPHIC MYOCARDIOPATHY. Identifiers: Orphanet 217569, MedGen C0007194, MeSH D002312, MONDO:0005045, HP:0001639.

Allele frequency attached by ClinVar (database versions not stated): gnomAD exomes below 0.00001; gnomAD 0.00001.
gnomAD v4.1: 2 of 1,613,436 alleles (0.00012%); highest among the groups gnomAD compares: Non-Finnish European, 0.00017%; no homozygotes.

Submission:

Labcorp Genetics (formerly Invitae), Labcorp
Classification: Uncertain significance for Hypertrophic cardiomyopathy. Last evaluated: 2025-06-27. Review status: criteria provided, single submitter. Criteria: Invitae Variant Classification Sherloc (09022015). Collection method: clinical testing. Allele origin: germline.
Comment: This sequence change replaces alanine, which is neutral and non-polar, with valine, which is neutral and non-polar, at codon 167 of the MYOM1 protein (p.Ala167Val). This variant is not present in population databases (gnomAD no frequency). This variant has not been reported in the literature in individuals affected with MYOM1-related conditions. ClinVar contains an entry for this variant (Variation ID: 572253). An algorithm developed to predict the effect of missense changes on protein structure and function (PolyPhen-2) suggests that this variant is likely to be tolerated. In summary, the available evidence is currently insufficient to determine the role of this variant in disease. Therefore, it has been classified as a Variant of Uncertain Significance.